The following is an entry in ClinVar:

ClinVar aggregate classification (germline): Likely benign (1 of 4 stars; one submission).

Submission:

CeGaT Center for Human Genetics Tuebingen
Classification: Likely benign. Last evaluated: 2023-08-01. Review status: criteria provided, single submitter. Criteria: CeGaT Center For Human Genetics Tuebingen Variant Classification Criteria Version 2. Collection method: clinical testing. Allele origin: germline. Affected: yes. Observed: 1 variant allele.
Comment: GRM5: PM2:Supporting, BP4, BP7

NM_001143831.3(GRM5):c.2934C>G (p.Gly978=)

Genes: GRM5 (glutamate metabotropic receptor 5; minus strand), GRM5-AS1 (GRM5 antisense RNA 1; plus strand), LOC130006577 (ATAC-STARR-seq lymphoblastoid silent region 3833; plus strand). Cytogenetic location: 11q14.2.
Variant type: single nucleotide variant.
Coding change: c.2934C>G on transcript NM_001143831.3 (MANE Select); coding-DNA position 2934, C replaced by G.
Protein change: p.Gly978=; no amino-acid change (glycine 978 retained).
Molecular consequence: synonymous variant.
Genome position (GRCh38, 1-based): chr11:88,509,297, G>C on the plus strand (C>G on the coding strand, the complement: GRM5 is on the minus strand). VCF-style: chr11-88509297-G-C. GRCh37 (hg19) VCF-style: chr11-88242465-G-C.
Other names: c.2838C>G, p.Gly946= (NM_000842.5, NM_001384268.1).
Identifiers: ClinVar variation 2642259 (VCV002642259.24), dbSNP rs772583927, ClinGen allele CA476492376.